The following is an entry in ClinVar:

NM_005802.5(TOPORS):c.1180A>G (p.Ile394Val)

Gene: TOPORS (TOP1 binding arginine/serine rich protein, E3 ubiquitin ligase; minus strand). Cytogenetic location: 9p21.1.
Variant type: single nucleotide variant.
Coding change: c.1180A>G on transcript NM_005802.5 (MANE Select); coding-DNA position 1180, A replaced by G.
Protein change: p.Ile394Val; replaces isoleucine 394 with valine.
Molecular consequence: missense variant.
Genome position (GRCh38, 1-based): chr9:32,543,345, T>C on the plus strand (A>G on the coding strand, the complement: TOPORS is on the minus strand). VCF-style: chr9-32543345-T-C. GRCh37 (hg19) VCF-style: chr9-32543343-T-C.
Other names: c.985A>G, p.Ile329Val (NM_001195622.2); short protein forms I329V, I394V.
Identifiers: ClinVar variation 2098930 (VCV002098930.4), dbSNP rs776789949, ClinGen allele CA5020559.

ClinVar aggregate classification (germline): Uncertain significance (1 of 4 stars; one submission).

Allele frequency attached by ClinVar (database versions not stated): gnomAD exomes below 0.00001; gnomAD 0.00001; ExAC 0.00002; TOPMed 0.00002.
gnomAD v4.1: 5 of 1,614,132 alleles (0.00031%); highest among the groups gnomAD compares: East Asian, 0.0022%; no homozygotes.

Submission:

Labcorp Genetics (formerly Invitae), Labcorp
Classification: Uncertain significance. Last evaluated: 2022-03-29. Review status: criteria provided, single submitter. Criteria: Invitae Variant Classification Sherloc (09022015). Collection method: clinical testing. Allele origin: germline.
Comment: This sequence change replaces isoleucine, which is neutral and non-polar, with valine, which is neutral and non-polar, at codon 394 of the TOPORS protein (p.Ile394Val). In summary, the available evidence is currently insufficient to determine the role of this variant in disease. Therefore, it has been classified as a Variant of Uncertain Significance. Algorithms developed to predict the effect of missense changes on protein structure and function are either unavailable or do not agree on the potential impact of this missense change (SIFT: "Tolerated"; PolyPhen-2: "Probably Damaging"; Align-GVGD: "Class C0"). This variant has not been reported in the literature in individuals affected with TOPORS-related conditions. This variant is present in population databases (rs776789949, gnomAD 0.006%).